The following is an entry in ClinVar:

ClinVar aggregate classification (germline): Uncertain significance. Review status: criteria provided, multiple submitters, no conflicts (2 of 4 stars). 7 submissions from 7 submitters: Uncertain significance (6). 1 of the submissions does not count toward it. Last evaluated 2024-10-18.

Conditions:
Inborn genetic diseases. Identifiers: MedGen C0950123, MeSH D030342.
Chédiak-Higashi syndrome (CHS). Also called: Chediak-Higashi Syndrome. Identifiers: Orphanet 167, MedGen C0007965, MONDO:0008963, OMIM 214500.

Allele frequency attached by ClinVar (database versions not stated): gnomAD exomes 0.00008 and 0.00015; ExAC 0.00021; ESP Exome Variant Server 0.00031; TOPMed 0.00037; gnomAD 0.00040 and 0.00043.
gnomAD v4.1: 182 of 1,613,796 alleles (0.011%); highest among the groups gnomAD compares: African/African-American, 0.12%; no homozygotes.

Submissions (7):

Blueprint Genetics
Classification: Uncertain significance. Last evaluated: 2024-10-18. Review status: criteria provided, single submitter. Criteria: ACMG Guidelines, 2015. Collection method: clinical testing. Allele origin: germline.

Ambry Genetics
Classification: Uncertain significance for Inborn genetic diseases. Last evaluated: 2023-03-06. Review status: criteria provided, single submitter. Criteria: Ambry Variant Classification Scheme 2023. Collection method: clinical testing. Allele origin: germline.

Labcorp Genetics (formerly Invitae), Labcorp
Classification: Uncertain significance for Chédiak-Higashi syndrome. Last evaluated: 2022-08-21. Review status: criteria provided, single submitter. Criteria: Invitae Variant Classification Sherloc (09022015). Collection method: clinical testing. Allele origin: germline.
Comment: This sequence change replaces isoleucine, which is neutral and non-polar, with valine, which is neutral and non-polar, at codon 1070 of the LYST protein (p.Ile1070Val). This variant is present in population databases (rs150321124, gnomAD 0.1%). This variant has not been reported in the literature in individuals affected with LYST-related conditions. ClinVar contains an entry for this variant (Variation ID: 849040). Algorithms developed to predict the effect of missense changes on protein structure and function output the following: SIFT: "Tolerated"; PolyPhen-2: "Benign"; Align-GVGD: "Class C0". The valine amino acid residue is found in multiple mammalian species, which suggests that this missense change does not adversely affect protein function. In summary, the available evidence is currently insufficient to determine the role of this variant in disease. Therefore, it has been classified as a Variant of Uncertain Significance.

GeneDx
Classification: Uncertain significance. Last evaluated: 2019-06-25. Review status: criteria provided, single submitter. Criteria: GeneDx Variant Classification Process June 2021. Collection method: clinical testing. Allele origin: germline. Affected: yes.
Comment: In silico analysis, which includes protein predictors and evolutionary conservation, supports that this variant does not alter protein structure/function; Has not been previously published as pathogenic or benign to our knowledge

Genetic Services Laboratory, University of Chicago
Classification: Uncertain significance. Last evaluated: 2019-05-10. Review status: criteria provided, single submitter. Criteria: ACMG Guidelines, 2015. Collection method: clinical testing. Allele origin: germline. Affected: no.

Illumina Laboratory Services, Illumina
Classification: Uncertain significance for Chédiak-Higashi syndrome. Last evaluated: 2018-01-12. Review status: criteria provided, single submitter. Criteria: ICSL Variant Classification Criteria 13 December 2019. Collection method: clinical testing. Allele origin: germline.

Department of Pathology and Laboratory Medicine, Sinai Health System
Classification: Uncertain significance. Review status: no assertion criteria provided. Collection method: clinical testing. Allele origin: unknown. Affected: yes. Study: The Canadian Open Genetics Repository (COGR). Not counted in ClinVar's aggregate classification.
Comment: The LYST p.I1070V variant was not identified in the literature but was identified in dbSNP (ID: rs150321124) and ClinVar (classified as uncertain significance by Invitae and Illumina for ChâˆšÂ©diak-Higashi syndrome). The variant was identified in control databases in 52 of 282286 chromosomes at a frequency of 0.0001842 (Genome Aggregation Database March 6, 2019, v2.1.1). The p.I1070 residue is not conserved in mammals and computational analyses (MUT Assesor, PolyPhen-2, SIFT, MutationTaster, Revel, FATHMM, MetaLR, DANN) do not suggest a high likelihood of impact to the protein; however this information is not predictive enough to rule out pathogenicity. The variant occurs outside of the splicing consensus sequence and in silico or computational prediction software programs (Splice AI exome) do not predict a difference in splicing. In summary, based on the above information the clinical significance of this variant cannot be determined with certainty at this time. This variant is classified as a variant of uncertain significance.

Literature cited by the submitters: PubMed 28748566 (cited by Ambry Genetics).

NM_000081.4(LYST):c.3208A>G (p.Ile1070Val)

Gene: LYST (lysosomal trafficking regulator; minus strand). Cytogenetic location: 1q42.3.
Variant type: single nucleotide variant.
Coding change: c.3208A>G on transcript NM_000081.4 (MANE Select); coding-DNA position 3208, A replaced by G.
Protein change: p.Ile1070Val; replaces isoleucine 1070 with valine.
Molecular consequence: missense variant.
Genome position (GRCh38, 1-based): chr1:235,805,928, T>C on the plus strand (A>G on the coding strand, the complement: LYST is on the minus strand). VCF-style: chr1-235805928-T-C. GRCh37 (hg19) VCF-style: chr1-235969228-T-C.
Other names: c.3208A>G, p.Ile1070Val (NM_001301365.1); short protein forms I1070V.
Identifiers: ClinVar variation 849040 (VCV000849040.17), dbSNP rs150321124, ClinGen allele CA1467121.